The following is an entry in ClinVar:

NM_001127222.2(CACNA1A):c.184T>A (p.Tyr62Asn)

Gene: CACNA1A (calcium voltage-gated channel subunit alpha1 A; minus strand). Cytogenetic location: 19p13.13.
Variant type: single nucleotide variant.
Coding change: c.184T>A on transcript NM_001127222.2 (MANE Select); coding-DNA position 184, T replaced by A.
Protein change: p.Tyr62Asn; replaces tyrosine 62 with asparagine.
Molecular consequence: missense variant.
Genome position (GRCh38, 1-based): chr19:13,506,041, A>T on the plus strand (T>A on the coding strand, the complement: CACNA1A is on the minus strand). VCF-style: chr19-13506041-A-T. GRCh37 (hg19) VCF-style: chr19-13616855-A-T.
Other names: c.184T>A, p.Tyr62Asn (NM_000068.4, NM_001127221.2, NM_001174080.2 and 1 more transcripts); short protein forms Y62N.
Identifiers: ClinVar variation 2025322 (VCV002025322.4), dbSNP rs2513709042, ClinGen allele CA404971026.

ClinVar aggregate classification (germline): Likely pathogenic (1 of 4 stars; one submission).

Conditions:
Episodic ataxia type 2 (EA2). Also called: ATAXIA, EPISODIC, WITH NYSTAGMUS; ATAXIA, FAMILIAL PAROXYSMAL; CEREBELLAR ATAXIA, PAROXYSMAL, ACETAZOLAMIDE-RESPONSIVE; CEREBELLOPATHY, HEREDITARY PAROXYSMAL; ACETAZOLAMIDE-RESPONSIVE HEREDITARY PAROXYSMAL CEREBELLAR ATAXIA; EPISODIC ATAXIA, NYSTAGMUS-ASSOCIATED. Identifiers: Orphanet 97, MedGen C1720416, MONDO:0007163, OMIM 108500.
Developmental and epileptic encephalopathy, 42 (DEE42A). Also called: Epileptic encephalopathy, early infantile, 42; DEVELOPMENTAL AND EPILEPTIC ENCEPHALOPATHY 42A; EPILEPTIC ENCEPHALOPATHY, EARLY INFANTILE, 42A. Identifiers: MedGen C4310716, MONDO:0014917, OMIM 617106.

Submission:

Labcorp Genetics (formerly Invitae), Labcorp
Classification: Likely pathogenic for Developmental and epileptic encephalopathy, 42; Episodic ataxia type 2. Last evaluated: 2022-08-20. Review status: criteria provided, single submitter. Criteria: Invitae Variant Classification Sherloc (09022015). Collection method: clinical testing. Allele origin: germline.
Comment: In summary, the currently available evidence indicates that the variant is pathogenic, but additional data are needed to prove that conclusively. Therefore, this variant has been classified as Likely Pathogenic. This variant disrupts the p.Tyr62 amino acid residue in CACNA1A. Other variant(s) that disrupt this residue have been determined to be pathogenic (PMID: 33425808). This suggests that this residue is clinically significant, and that variants that disrupt this residue are likely to be disease-causing. Advanced modeling of protein sequence and biophysical properties (such as structural, functional, and spatial information, amino acid conservation, physicochemical variation, residue mobility, and thermodynamic stability) performed at Invitae indicates that this missense variant is expected to disrupt CACNA1A protein function. This variant has not been reported in the literature in individuals affected with CACNA1A-related conditions. This variant is not present in population databases (gnomAD no frequency). This sequence change replaces tyrosine, which is neutral and polar, with asparagine, which is neutral and polar, at codon 62 of the CACNA1A protein (p.Tyr62Asn).

Literature cited by the submitters: PubMed 33425808.